The following is an entry in ClinVar:

ClinVar aggregate classification (germline): Benign/Likely benign. Review status: criteria provided, multiple submitters, no conflicts (2 of 4 stars). 2 submissions from 2 submitters: Benign (1); Likely benign (1). Last evaluated 2024-09-26.

Conditions:
Melanoma, cutaneous malignant, susceptibility to, 3. Also called: Cutaneous malignant melanoma 3. Identifiers: Orphanet 618, MedGen C1836892, MONDO:0012183, OMIM 609048.
Hereditary cancer-predisposing syndrome. Also called: Neoplastic Syndromes, Hereditary; Tumor predisposition; Hereditary neoplastic syndrome; Hereditary Cancer Syndrome. Identifiers: Orphanet 140162, MedGen C0027672, MeSH D009386, MONDO:0015356.

Allele frequency attached by ClinVar (database versions not stated): gnomAD 0.00001; gnomAD exomes 0.00001 and 0.00002; ExAC 0.00002; 1000 Genomes Project 30x 0.00016; 1000 Genomes Project 0.00020.

Submissions (2):

Myriad Genetics, Inc.
Classification: Benign for Melanoma, cutaneous malignant, susceptibility to, 3. Last evaluated: 2024-09-26. Review status: criteria provided, single submitter. Criteria: Myriad Autosomal Dominant, Autosomal Recessive and X-Linked Classification Criteria (2023). Collection method: clinical testing. Allele origin: unknown.
Comment: This variant is considered benign. This variant is a silent/synonymous amino acid change and it is not expected to impact splicing.

Ambry Genetics
Classification: Likely benign for Hereditary cancer-predisposing syndrome. Last evaluated: 2018-04-30. Review status: criteria provided, single submitter. Criteria: Ambry Variant Classification Scheme 2023. Collection method: clinical testing. Allele origin: germline.

NM_000075.4(CDK4):c.576A>C (p.Ala192=)

Gene: CDK4 (cyclin dependent kinase 4; minus strand). Cytogenetic location: 12q14.1.
Variant type: single nucleotide variant.
Coding change: c.576A>C on transcript NM_000075.4 (MANE Select); coding-DNA position 576, A replaced by C.
Protein change: p.Ala192=; no amino-acid change (alanine 192 retained).
Molecular consequence: synonymous variant.
Genome position (GRCh38, 1-based): chr12:57,750,712, T>G on the plus strand (A>C on the coding strand, the complement: CDK4 is on the minus strand). VCF-style: chr12-57750712-T-G. GRCh37 (hg19) VCF-style: chr12-58144495-T-G.
Identifiers: ClinVar variation 825952 (VCV000825952.5), dbSNP rs565563672, ClinGen allele CA6657777.